The following is an entry in ClinVar:

NM_016507.4(CDK12):c.1503A>T (p.Arg501Ser)

Gene: CDK12 (cyclin dependent kinase 12; plus strand). Cytogenetic location: 17q12.
Variant type: single nucleotide variant.
Coding change: c.1503A>T on transcript NM_016507.4 (MANE Select); coding-DNA position 1503, A replaced by T.
Protein change: p.Arg501Ser; replaces arginine 501 with serine.
Molecular consequence: missense variant.
Genome position (GRCh38, 1-based): chr17:39,471,335, A>T. VCF-style: chr17-39471335-A-T. GRCh37 (hg19) VCF-style: chr17-37627588-A-T.
Other names: c.1503A>T, p.Arg501Ser (NM_015083.4); short protein forms R501S.
Identifiers: ClinVar variation 4868467 (VCV004868467.1).

ClinVar aggregate classification (germline): Uncertain significance (1 of 4 stars; one submission).

Submission:

Ambry Genetics
Classification: Uncertain significance. Last evaluated: 2026-03-31. Review status: criteria provided, single submitter. Criteria: Ambry Variant Classification Scheme 2023. Collection method: clinical testing. Allele origin: germline.
Comment: The p.R501S variant (also known as c.1503A>T), located in coding exon 2 of the CDK12 gene, results from an A to T substitution at nucleotide position 1503. The arginine at codon 501 is replaced by serine, an amino acid with dissimilar properties. This amino acid position is conserved. In addition, this alteration is predicted to be tolerated by in silico analysis. Based on the available evidence, the clinical significance of this variant remains unclear.